The following is an entry in ClinVar:

ClinVar aggregate classification (germline): Uncertain significance. Review status: criteria provided, multiple submitters, no conflicts (2 of 4 stars). 2 submissions from 2 submitters: Uncertain significance (2). Last evaluated 2025-08-04.

Conditions:
Hereditary pulmonary alveolar proteinosis. Also called: Pulmonary surfactant metabolism dysfunction. Identifiers: Orphanet 264675, MedGen C3711368, MONDO:0012580.

Allele frequency attached by ClinVar (database versions not stated): gnomAD 0.00003; gnomAD exomes 0.00003; TOPMed 0.00005; ExAC 0.00006; 1000 Genomes Project 30x 0.00016; 1000 Genomes Project 0.00020.
gnomAD v4.1: 45 of 1,604,744 alleles (0.0028%); highest among the groups gnomAD compares: Admixed American, 0.017%; no homozygotes.

Submissions (2):

Ambry Genetics
Classification: Uncertain significance for Hereditary pulmonary alveolar proteinosis. Last evaluated: 2025-08-04. Review status: criteria provided, single submitter. Criteria: Ambry Variant Classification Scheme 2023. Collection method: clinical testing. Allele origin: germline.

GeneDx
Classification: Uncertain significance. Last evaluated: 2023-05-02. Review status: criteria provided, single submitter. Criteria: GeneDx Variant Classification Process June 2021. Collection method: clinical testing. Allele origin: germline. Affected: yes.
Comment: In silico analysis supports that this missense variant does not alter protein structure/function; Has not been previously published as pathogenic or benign to our knowledge

NM_001089.3(ABCA3):c.2843C>T (p.Ser948Leu)

Gene: ABCA3 (ATP binding cassette subfamily A member 3; minus strand). Cytogenetic location: 16p13.3.
Variant type: single nucleotide variant.
Coding change: c.2843C>T on transcript NM_001089.3 (MANE Select); coding-DNA position 2843, C replaced by T.
Protein change: p.Ser948Leu; replaces serine 948 with leucine.
Molecular consequence: missense variant.
Genome position (GRCh38, 1-based): chr16:2,288,187, G>A on the plus strand (C>T on the coding strand, the complement: ABCA3 is on the minus strand). VCF-style: chr16-2288187-G-A. GRCh37 (hg19) VCF-style: chr16-2338188-G-A.
Other names: short protein forms S948L.
Identifiers: ClinVar variation 3253584 (VCV003253584.3), dbSNP rs561560107.